The following is an entry in ClinVar:

ClinVar aggregate classification (germline): Uncertain significance (1 of 4 stars; one submission).

Conditions:
Renal cell carcinoma. Identifiers: Orphanet 217071, MedGen C0007134, MeSH D002292, MONDO:0005086, HP:0005584.

Allele frequency attached by ClinVar (database versions not stated): gnomAD exomes below 0.00001.
gnomAD v4.1: 1 of 1,613,828 alleles (0.000062%); highest among the groups gnomAD compares: Non-Finnish European, 0.000085%; no homozygotes.

Submission:

Labcorp Genetics (formerly Invitae), Labcorp
Classification: Uncertain significance for Renal cell carcinoma. Last evaluated: 2020-07-29. Review status: criteria provided, single submitter. Criteria: Invitae Variant Classification Sherloc (09022015). Collection method: clinical testing. Allele origin: germline.
Comment: This sequence change falls in intron 3 of the MET gene. It does not directly change the encoded amino acid sequence of the MET protein, but it affects a nucleotide within the consensus splice site of the intron. This variant is not present in population databases (ExAC no frequency). This variant has not been reported in the literature in individuals with MET-related conditions. Nucleotide substitutions within the consensus splice site are a relatively common cause of aberrant splicing (PMID: 17576681, 9536098). Algorithms developed to predict the effect of sequence changes on RNA splicing suggest that this variant is not likely to affect RNA splicing, but this prediction has not been confirmed by published transcriptional studies. In summary, the available evidence is currently insufficient to determine the role of this variant in disease. Therefore, it has been classified as a Variant of Uncertain Significance.

Literature cited by the submitters: PubMed 17576681; PubMed 9536098.

NM_000245.4(MET):c.1392+6T>G

Gene: MET (MET proto-oncogene, receptor tyrosine kinase; plus strand). Cytogenetic location: 7q31.2.
Variant type: single nucleotide variant.
Coding change: c.1392+6T>G on transcript NM_000245.4 (MANE Select); 6 bases into the intron after coding-DNA position 1392, T replaced by G.
Molecular consequence: intron variant.
Genome position (GRCh38, 1-based): chr7:116,731,865, T>G. VCF-style: chr7-116731865-T-G. GRCh37 (hg19) VCF-style: chr7-116371919-T-G.
Other names: c.1392+6T>G (NM_001127500.3, NM_001324401.3); c.102+6T>G (NM_001324402.2).
Identifiers: ClinVar variation 1017937 (VCV001017937.6), dbSNP rs1793022563, ClinGen allele CA1737017251.